The following is an entry in ClinVar:

NM_153704.6(TMEM67):c.2010A>T (p.Thr670=)

Gene: TMEM67 (transmembrane protein 67; plus strand). Cytogenetic location: 8q22.1.
Variant type: single nucleotide variant.
Coding change: c.2010A>T on transcript NM_153704.6 (MANE Select); coding-DNA position 2010, A replaced by T.
Protein change: p.Thr670=; no amino-acid change (threonine 670 retained).
Molecular consequence: synonymous variant. On other transcripts: non-coding transcript variant (1).
Genome position (GRCh38, 1-based): chr8:93,797,380, A>T. VCF-style: chr8-93797380-A-T. GRCh37 (hg19) VCF-style: chr8-94809608-A-T.
Other names: c.1767A>T, p.Thr589= (NM_001142301.1); c.2010A>T (NM_153704.5).
Identifiers: ClinVar variation 1598025 (VCV001598025.11), dbSNP rs137989705, ClinGen allele CA4808178.

ClinVar aggregate classification (germline): Likely benign. Review status: criteria provided, multiple submitters, no conflicts (2 of 4 stars). 3 submissions from 3 submitters: Likely benign (2). 1 of the submissions does not count toward it. Last evaluated 2025-12-30.

Conditions:
TMEM67-related disorder. Also called: TMEM67-related disorders; TMEM67-related condition. Identifiers: MedGen CN239423.
Joubert syndrome. Also called: Familial aplasia of the vermis; JOUBERT-BOLTSHAUSER SYNDROME. Identifiers: Orphanet 475, MedGen C5979921, MONDO:0018772.
Meckel-Gruber syndrome. Also called: DYSENCEPHALIA SPLANCHNOCYSTICA; GRUBER SYNDROME; Dysencephalia splachnocystica. Identifiers: Orphanet 564, MedGen C0265215, MONDO:0018921.

gnomAD v4.1: 70 of 1,614,020 alleles (0.0043%); highest among the groups gnomAD compares: Non-Finnish European, 0.0058%; 1 homozygote.

Submissions (3):

Labcorp Genetics (formerly Invitae), Labcorp
Classification: Likely benign for Joubert syndrome; Meckel-Gruber syndrome. Last evaluated: 2025-12-30. Review status: criteria provided, single submitter. Criteria: Invitae Variant Classification Sherloc (09022015). Collection method: clinical testing. Allele origin: germline.

Blueprint Genetics
Classification: Likely benign. Last evaluated: 2023-11-28. Review status: criteria provided, single submitter. Criteria: ACMG Guidelines, 2015. Collection method: clinical testing. Allele origin: germline.

PreventionGenetics, part of Exact Sciences
Classification: Likely benign for TMEM67-related condition. Last evaluated: 2020-10-27. Review status: no assertion criteria provided. Collection method: clinical testing. Allele origin: germline. Not counted in ClinVar's aggregate classification.
Comment: This variant is classified as likely benign based on ACMG/AMP sequence variant interpretation guidelines (Richards et al. 2015 PMID: 25741868, with internal and published modifications).